The following is an entry in ClinVar:

ClinVar aggregate classification (germline): Uncertain significance. Review status: criteria provided, multiple submitters, no conflicts (2 of 4 stars). 2 submissions from 2 submitters: Uncertain significance (2). Last evaluated 2025-07-27.

Conditions:
Hereditary cancer-predisposing syndrome. Also called: Hereditary Cancer Syndrome; Hereditary neoplastic syndrome; Neoplastic Syndromes, Hereditary; Tumor predisposition. Identifiers: Orphanet 140162, MedGen C0027672, MeSH D009386, MONDO:0015356.

Allele frequency attached by ClinVar (database versions not stated): gnomAD exomes below 0.00001; TOPMed below 0.00001; gnomAD 0.00001.

Submissions (2):

Labcorp Genetics (formerly Invitae), Labcorp
Classification: Uncertain significance. Last evaluated: 2025-07-27. Review status: criteria provided, single submitter. Criteria: Invitae Variant Classification Sherloc (09022015). Collection method: clinical testing. Allele origin: germline.
Comment: This sequence change replaces isoleucine, which is neutral and non-polar, with threonine, which is neutral and polar, at codon 1657 of the POLE protein (p.Ile1657Thr). This variant is not present in population databases (gnomAD no frequency). This variant has not been reported in the literature in individuals affected with POLE-related conditions. ClinVar contains an entry for this variant (Variation ID: 405727). Invitae Evidence Modeling of protein sequence and biophysical properties (such as structural, functional, and spatial information, amino acid conservation, physicochemical variation, residue mobility, and thermodynamic stability) indicates that this missense variant is not expected to disrupt POLE protein function with a negative predictive value of 80%. In summary, the available evidence is currently insufficient to determine the role of this variant in disease. Therefore, it has been classified as a Variant of Uncertain Significance.

Ambry Genetics
Classification: Uncertain significance for Hereditary cancer-predisposing syndrome. Last evaluated: 2023-06-21. Review status: criteria provided, single submitter. Criteria: Ambry Variant Classification Scheme 2023. Collection method: clinical testing. Allele origin: germline.
Comment: The p.I1657T variant (also known as c.4970T>C), located in coding exon 38 of the POLE gene, results from a T to C substitution at nucleotide position 4970. The isoleucine at codon 1657 is replaced by threonine, an amino acid with similar properties. This amino acid position is conserved. In addition, this alteration is predicted to be tolerated by in silico analysis. Since supporting evidence is limited at this time, the clinical significance of this alteration remains unclear.

NM_006231.4(POLE):c.4970T>C (p.Ile1657Thr)

Gene: POLE (DNA polymerase epsilon, catalytic subunit; minus strand). Cytogenetic location: 12q24.33.
Variant type: single nucleotide variant.
Coding change: c.4970T>C on transcript NM_006231.4 (MANE Select); coding-DNA position 4970, T replaced by C.
Protein change: p.Ile1657Thr; replaces isoleucine 1657 with threonine.
Molecular consequence: missense variant.
Genome position (GRCh38, 1-based): chr12:132,642,380, A>G on the plus strand (T>C on the coding strand, the complement: POLE is on the minus strand). VCF-style: chr12-132642380-A-G. GRCh37 (hg19) VCF-style: chr12-133218966-A-G.
Other names: short protein forms I1657T.
Identifiers: ClinVar variation 405727 (VCV000405727.6), dbSNP rs1060500827, ClinGen allele CA16613806.